The following is an entry in ClinVar:

ClinVar aggregate classification (germline): Likely benign. Review status: criteria provided, multiple submitters, no conflicts (2 of 4 stars). 2 submissions from 2 submitters: Likely benign (2). Last evaluated 2026-03-02.

Conditions:
NPC1-related disorder. Also called: NPC1-related condition.
Niemann-Pick disease, type C1. Also called: NIEMANN-PICK DISEASE, VARIANT TYPE C1; NEUROVISCERAL STORAGE DISEASE WITH VERTICAL SUPRANUCLEAR OPHTHALMOPLEGIA; NIEMANN-PICK DISEASE WITH CHOLESTEROL ESTERIFICATION BLOCK; NIEMANN-PICK DISEASE WITHOUT SPHINGOMYELINASE DEFICIENCY; NIEMANN-PICK DISEASE, CHRONIC NEURONOPATHIC FORM. Identifiers: Orphanet 646, MedGen C3179455, MONDO:0009757, OMIM 257220.

Allele frequency attached by ClinVar (database versions not stated): gnomAD exomes below 0.00001; TOPMed 0.00001.

Submissions (2):

PreventionGenetics, part of Exact Sciences
Classification: Likely benign for NPC1-related condition. Last evaluated: 2026-03-02. Review status: criteria provided, single submitter. Criteria: ACMG Guidelines, 2015. Collection method: clinical testing. Allele origin: germline.
Comment: This variant is classified as likely benign based on ACMG/AMP sequence variant interpretation guidelines (Richards et al. 2015 PMID: 25741868, with internal and published modifications).

Labcorp Genetics (formerly Invitae), Labcorp
Classification: Likely benign for Niemann-Pick disease, type C1. Last evaluated: 2025-06-03. Review status: criteria provided, single submitter. Criteria: Invitae Variant Classification Sherloc (09022015). Collection method: clinical testing. Allele origin: germline.

NM_000271.5(NPC1):c.2229T>G (p.Thr743=)

Gene: NPC1 (NPC intracellular cholesterol transporter 1; minus strand). Cytogenetic location: 18q11.2.
Variant type: single nucleotide variant.
Coding change: c.2229T>G on transcript NM_000271.5 (MANE Select); coding-DNA position 2229, T replaced by G.
Protein change: p.Thr743=; no amino-acid change (threonine 743 retained).
Molecular consequence: synonymous variant.
Genome position (GRCh38, 1-based): chr18:23,543,471, A>C on the plus strand (T>G on the coding strand, the complement: NPC1 is on the minus strand). VCF-style: chr18-23543471-A-C. GRCh37 (hg19) VCF-style: chr18-21123435-A-C.
Other names: c.2229T>G (NM_000271.4).
Identifiers: ClinVar variation 1150782 (VCV001150782.10), dbSNP rs1029406487, ClinGen allele CA297058631.